The following is an entry in ClinVar:

ClinVar aggregate classification (germline): Likely benign. Review status: criteria provided, multiple submitters, no conflicts (2 of 4 stars). 3 submissions from 3 submitters: Likely benign (3). Last evaluated 2026-01-27.

Conditions:
Hereditary cancer-predisposing syndrome. Also called: Tumor predisposition; Hereditary neoplastic syndrome; Hereditary Cancer Syndrome; Neoplastic Syndromes, Hereditary. Identifiers: Orphanet 140162, MedGen C0027672, MeSH D009386, MONDO:0015356.
Neuroblastoma, susceptibility to, 3. Also called: ALK-Related Neuroblastic Tumor Susceptibility. Identifiers: Orphanet 635, MedGen C2751681, MONDO:0013083, OMIM 613014.

Allele frequency attached by ClinVar (database versions not stated): gnomAD exomes 0.00001; TOPMed 0.00002.
gnomAD v4.1: 23 of 1,614,126 alleles (0.0014%); highest among the groups gnomAD compares: East Asian, 0.0089%; no homozygotes.

Submissions (3):

Labcorp Genetics (formerly Invitae), Labcorp
Classification: Likely benign for Neuroblastoma, susceptibility to, 3. Last evaluated: 2026-01-27. Review status: criteria provided, single submitter. Criteria: Invitae Variant Classification Sherloc (09022015). Collection method: clinical testing. Allele origin: germline.

CeGaT Center for Human Genetics Tuebingen
Classification: Likely benign. Last evaluated: 2025-04-01. Review status: criteria provided, single submitter. Criteria: CeGaT Center For Human Genetics Tuebingen Variant Classification Criteria Version 2. Collection method: clinical testing. Allele origin: germline. Affected: yes. Observed: 1 variant allele.
Comment: ALK: BP4, BP7

Ambry Genetics
Classification: Likely benign for Hereditary cancer-predisposing syndrome. Last evaluated: 2022-03-01. Review status: criteria provided, single submitter. Criteria: Ambry Variant Classification Scheme 2023. Collection method: clinical testing. Allele origin: germline.

NM_004304.5(ALK):c.885C>T (p.Ser295=)

Gene: ALK (ALK receptor tyrosine kinase; minus strand). Cytogenetic location: 2p23.2.
Variant type: single nucleotide variant.
Coding change: c.885C>T on transcript NM_004304.5 (MANE Select); coding-DNA position 885, C replaced by T.
Protein change: p.Ser295=; no amino-acid change (serine 295 retained).
Molecular consequence: synonymous variant.
Genome position (GRCh38, 1-based): chr2:29,694,917, G>A on the plus strand (C>T on the coding strand, the complement: ALK is on the minus strand). VCF-style: chr2-29694917-G-A. GRCh37 (hg19) VCF-style: chr2-29917783-G-A.
Identifiers: ClinVar variation 412938 (VCV000412938.20), dbSNP rs1060503882, ClinGen allele CA16610747.